The following is an entry in ClinVar:

ClinVar aggregate classification (germline): Likely benign. Review status: criteria provided, multiple submitters, no conflicts (2 of 4 stars). 3 submissions from 3 submitters: Likely benign (3). Last evaluated 2023-11-08.

gnomAD v4.1: 2 of 1,614,120 alleles (0.00012%); highest among the groups gnomAD compares: Non-Finnish European, 0.00017%; no homozygotes.

Submissions (3):

Blueprint Genetics
Classification: Likely benign. Last evaluated: 2023-11-08. Review status: criteria provided, single submitter. Criteria: ACMG Guidelines, 2015. Collection method: clinical testing. Allele origin: germline.

CeGaT Center for Human Genetics Tuebingen
Classification: Likely benign. Last evaluated: 2023-06-01. Review status: criteria provided, single submitter. Criteria: CeGaT Center For Human Genetics Tuebingen Variant Classification Criteria Version 2. Collection method: clinical testing. Allele origin: germline. Affected: yes. Observed: 1 variant allele.
Comment: ANK1: PM2:Supporting, BP4, BP7

Labcorp Genetics (formerly Invitae), Labcorp
Classification: Likely benign. Last evaluated: 2018-05-30. Review status: criteria provided, single submitter. Criteria: Invitae Variant Classification Sherloc (09022015). Collection method: clinical testing. Allele origin: germline.

NM_000037.4(ANK1):c.303A>T (p.Gly101=)

Gene: ANK1 (ankyrin 1; minus strand). Cytogenetic location: 8p11.21.
Variant type: single nucleotide variant.
Coding change: c.303A>T on transcript NM_000037.4 (MANE Select); coding-DNA position 303, A replaced by T.
Protein change: p.Gly101=; no amino-acid change (glycine 101 retained).
Molecular consequence: synonymous variant.
Genome position (GRCh38, 1-based): chr8:41,727,932, T>A on the plus strand (A>T on the coding strand, the complement: ANK1 is on the minus strand). VCF-style: chr8-41727932-T-A. GRCh37 (hg19) VCF-style: chr8-41585450-T-A.
Other names: c.402A>T, p.Gly134= (NM_001142446.2); c.303A>T, p.Gly101= (NM_020475.3, NM_020476.3, NM_020477.3).
Identifiers: ClinVar variation 743120 (VCV000743120.28), dbSNP rs1586511504, ClinGen allele CA460538817.